The following is an entry in ClinVar:

NM_020134.4(DPYSL5):c.133C>T (p.Pro45Ser)

Gene: DPYSL5 (dihydropyrimidinase like 5; plus strand). Cytogenetic location: 2p23.3.
Variant type: single nucleotide variant.
Coding change: c.133C>T on transcript NM_020134.4 (MANE Select); coding-DNA position 133, C replaced by T.
Protein change: p.Pro45Ser; replaces proline 45 with serine.
Molecular consequence: missense variant.
Genome position (GRCh38, 1-based): chr2:26,898,632, C>T. VCF-style: chr2-26898632-C-T. GRCh37 (hg19) VCF-style: chr2-27121500-C-T.
Other names: c.133C>T, p.Pro45Ser (NM_001253723.2, NM_001253724.2); short protein forms P45S.
Identifiers: ClinVar variation 4292691 (VCV004292691.1).

ClinVar aggregate classification (germline): Uncertain significance (1 of 4 stars; one submission).

Conditions:
Ritscher-Schinzel syndrome 4. Identifiers: MedGen C5561939, MONDO:0030331, OMIM 619435.

Submission:

3billion
Classification: Uncertain significance for Ritscher-Schinzel syndrome 4. Last evaluated: 2024-06-06. Review status: criteria provided, single submitter. Criteria: ACMG Guidelines, 2015. Collection method: clinical testing. Allele origin: germline. Affected: yes.
Comment: The variant is not observed in the gnomAD v4.0.0 dataset. Predicted Consequence/Location: Missense variant In silico tool predictions suggest damaging effect of the variant on gene or gene product [REVEL: 0.66 (>=0.6, sensitivity 0.68 and specificity 0.92)]. Therefore, this variant is classified as VUS according to the recommendation of ACMG/AMP guideline.